The following is an entry in ClinVar:

NM_001127222.2(CACNA1A):c.6776G>A (p.Arg2259Gln)

Genes: CACNA1A (calcium voltage-gated channel subunit alpha1 A; minus strand), LOC130063717 (ATAC-STARR-seq lymphoblastoid silent region 10203; plus strand). Cytogenetic location: 19p13.13.
Variant type: single nucleotide variant.
Coding change: c.6776G>A on transcript NM_001127222.2 (MANE Select); coding-DNA position 6776, G replaced by A.
Protein change: p.Arg2259Gln; replaces arginine 2259 with glutamine.
Molecular consequence: missense variant.
Genome position (GRCh38, 1-based): chr19:13,208,760, C>T on the plus strand (G>A on the coding strand, the complement: CACNA1A is on the minus strand). VCF-style: chr19-13208760-C-T. GRCh37 (hg19) VCF-style: chr19-13319574-C-T.
Other names: c.6794G>A, p.Arg2265Gln (NM_000068.4, NM_023035.3); c.6779G>A, p.Arg2260Gln (NM_001127221.2); c.6785G>A, p.Arg2262Gln (NM_001174080.2); short protein forms R2262Q, R2259Q, R2260Q, R2265Q.
Identifiers: ClinVar variation 935553 (VCV000935553.16), dbSNP rs201582095, ClinGen allele CA9239263.

ClinVar aggregate classification (germline): Uncertain significance. Review status: criteria provided, multiple submitters, no conflicts (2 of 4 stars). 5 submissions from 5 submitters: Uncertain significance (5). Last evaluated 2026-05-20.

Conditions:
Inborn genetic diseases. Identifiers: MedGen C0950123, MeSH D030342.
Developmental and epileptic encephalopathy, 42 (DEE42A). Also called: DEVELOPMENTAL AND EPILEPTIC ENCEPHALOPATHY 42A; EPILEPTIC ENCEPHALOPATHY, EARLY INFANTILE, 42A; Epileptic encephalopathy, early infantile, 42. Identifiers: MedGen C4310716, MONDO:0014917, OMIM 617106.
Episodic ataxia type 2 (EA2). Also called: CEREBELLAR ATAXIA, PAROXYSMAL, ACETAZOLAMIDE-RESPONSIVE; CEREBELLOPATHY, HEREDITARY PAROXYSMAL; EPISODIC ATAXIA, NYSTAGMUS-ASSOCIATED; ACETAZOLAMIDE-RESPONSIVE HEREDITARY PAROXYSMAL CEREBELLAR ATAXIA; ATAXIA, EPISODIC, WITH NYSTAGMUS; ATAXIA, FAMILIAL PAROXYSMAL. Identifiers: Orphanet 97, MedGen C1720416, MONDO:0007163, OMIM 108500.
CACNA1A-related disorder. Also called: CACNA1A-related condition.

Allele frequency attached by ClinVar (database versions not stated): gnomAD 0.00001; gnomAD exomes 0.00001; TOPMed 0.00001; 1000 Genomes Project 0.00020; 1000 Genomes Project 30x 0.00031; ExAC 0.00002.
gnomAD v4.1: 19 of 1,566,300 alleles (0.0012%); highest among the groups gnomAD compares: South Asian, 0.0079%; no homozygotes.

Submissions (5):

Kasturba Medical College, Manipal, Kasturba Medical College, Manipal, Manipal Academy of Higher Education, Manipal, India
Classification: Uncertain significance. Last evaluated: 2026-05-20. Review status: criteria provided, single submitter. Criteria: ACMG Guidelines, 2015. Collection method: research. Allele origin: biparental. Affected: yes. Observed: 1 variant allele, 1 homozygote.
Comment: This variant has been observed in heterozygous state in 19 individuals (allele frequency: 0.00001213) in the gnomAD (v4.1.0) population database. This variant is absent in our in-house database of 4231 exomes. In-silico analysis tools (REVEL and CADD_phred) predict the variant to be damaging to the CACNA1A protein function.

Ambry Genetics
Classification: Uncertain significance for Inborn genetic diseases. Last evaluated: 2025-11-12. Review status: criteria provided, single submitter. Criteria: Ambry Variant Classification Scheme 2023. Collection method: clinical testing. Allele origin: germline.
Comment: The c.6779G>A (p.R2260Q) alteration is located in exon 46 (coding exon 46) of the CACNA1A gene. This alteration results from a G to A substitution at nucleotide position 6779, causing the arginine (R) at amino acid position 2260 to be replaced by a glutamine (Q). Based on data from gnomAD, the A allele has an overall frequency of <0.001% (0/199770) total alleles studied. The highest observed frequency was <0.001% (/) of alleles. Based on insufficient or conflicting evidence, the clinical significance of this alteration remains unclear.

Labcorp Genetics (formerly Invitae), Labcorp
Classification: Uncertain significance for Developmental and epileptic encephalopathy, 42; Episodic ataxia type 2. Last evaluated: 2024-05-29. Review status: criteria provided, single submitter. Criteria: Invitae Variant Classification Sherloc (09022015). Collection method: clinical testing. Allele origin: germline.
Comment: This sequence change replaces arginine, which is basic and polar, with glutamine, which is neutral and polar, at codon 2260 of the CACNA1A protein (p.Arg2260Gln). The frequency data for this variant in the population databases is considered unreliable, as metrics indicate poor data quality at this position in the gnomAD database. This variant has not been reported in the literature in individuals affected with CACNA1A-related conditions. ClinVar contains an entry for this variant (Variation ID: 935553). Advanced modeling of protein sequence and biophysical properties (such as structural, functional, and spatial information, amino acid conservation, physicochemical variation, residue mobility, and thermodynamic stability) performed at Invitae indicates that this missense variant is not expected to disrupt CACNA1A protein function with a negative predictive value of 95%. In summary, the available evidence is currently insufficient to determine the role of this variant in disease. Therefore, it has been classified as a Variant of Uncertain Significance.

GeneDx
Classification: Uncertain significance. Last evaluated: 2021-11-29. Review status: criteria provided, single submitter. Criteria: GeneDx Variant Classification Process June 2021. Collection method: clinical testing. Allele origin: germline. Affected: yes.
Comment: In silico analysis supports that this missense variant does not alter protein structure/function; Has not been previously published as pathogenic or benign to our knowledge

Illumina Laboratory Services, Illumina
Classification: Uncertain significance for CACNA1A-related disorders. Last evaluated: 2020-08-19. Review status: criteria provided, single submitter. Criteria: ICSLVariantClassificationCriteria RUGD 01 April 2020. Collection method: clinical testing. Allele origin: unknown.
Comment: The CACNA1A c.6779G>A (p.Arg2260Gln) variant is a missense variant. A literature search was performed for the gene, cDNA change, and amino acid change. No publications were found based on this search. This variant is not found in the Genome Aggregation Database in a region of good sequence coverage in the genome dataset, so the variant is presumed to be rare. The p.Arg2260Gln variant is located in exon 46 of 47 in the cytoplasmic domain of the calcium voltage-gated channel subunit alpha1 A protein and in silico predictions of the consequence of this variant are mixed. Based on the limited evidence and application of the ACMG criteria, the p.Arg2260Gln variant is classified as a variant of uncertain significance for CACNA1A-related disorders.